The following is an entry in ClinVar:

ClinVar aggregate classification (germline): Uncertain significance (1 of 4 stars; one submission).

Submission:

Greenwood Genetic Center Diagnostic Laboratories, Greenwood Genetic Center
Classification: Uncertain significance. Last evaluated: 2025-04-21. Review status: criteria provided, single submitter. Criteria: ACMG Guidelines, 2015. Collection method: clinical testing. Allele origin: germline. Affected: yes.
Comment: PM2, BP4

NM_016333.4(SRRM2):c.2695G>A (p.Val899Met)

Gene: SRRM2 (serine/arginine repetitive matrix 2; plus strand). Cytogenetic location: 16p13.3.
Variant type: single nucleotide variant.
Coding change: c.2695G>A on transcript NM_016333.4 (MANE Select); coding-DNA position 2695, G replaced by A.
Protein change: p.Val899Met; replaces valine 899 with methionine.
Molecular consequence: missense variant.
Genome position (GRCh38, 1-based): chr16:2,763,223, G>A. VCF-style: chr16-2763223-G-A. GRCh37 (hg19) VCF-style: chr16-2813224-G-A.
Other names: short protein forms V899M.
Identifiers: ClinVar variation 4538376 (VCV004538376.1).